The following is an entry in ClinVar:

NM_014423.4(AFF4):c.1255G>C (p.Glu419Gln)

Gene: AFF4 (ALF transcription elongation factor 4; minus strand). Cytogenetic location: 5q31.1.
Variant type: single nucleotide variant.
Coding change: c.1255G>C on transcript NM_014423.4 (MANE Select); coding-DNA position 1255, G replaced by C.
Protein change: p.Glu419Gln; replaces glutamic acid 419 with glutamine.
Molecular consequence: missense variant.
Genome position (GRCh38, 1-based): chr5:132,898,364, C>G on the plus strand (G>C on the coding strand, the complement: AFF4 is on the minus strand). VCF-style: chr5-132898364-C-G. GRCh37 (hg19) VCF-style: chr5-132234056-C-G.
Other names: short protein forms E419Q.
Identifiers: ClinVar variation 3347541 (VCV003347541.1).

ClinVar aggregate classification (germline): Uncertain significance (0 of 4 stars; one submission).

Conditions:
AFF4-related disorder. Also called: AFF4-related condition.

Submission:

PreventionGenetics, part of Exact Sciences
Classification: Uncertain significance for AFF4-related condition. Last evaluated: 2024-08-29. Review status: no assertion criteria provided. Collection method: clinical testing. Allele origin: germline.
Comment: The AFF4 c.1255G>C variant is predicted to result in the amino acid substitution p.Glu419Gln. To our knowledge, this variant has not been reported in the literature or in a large population database, indicating this variant is rare. At this time, the clinical significance of this variant is uncertain due to the absence of conclusive functional and genetic evidence.